The following is an entry in ClinVar:

ClinVar aggregate classification (germline): Uncertain significance (1 of 4 stars; one submission).

Submission:

Labcorp Genetics (formerly Invitae), Labcorp
Classification: Uncertain significance. Last evaluated: 2024-02-27. Review status: criteria provided, single submitter. Criteria: Invitae Variant Classification Sherloc (09022015). Collection method: clinical testing. Allele origin: germline.
Comment: This sequence change replaces glutamine, which is neutral and polar, with arginine, which is basic and polar, at codon 426 of the TIMM50 protein (p.Gln426Arg). This variant is not present in population databases (gnomAD no frequency). This variant has not been reported in the literature in individuals affected with TIMM50-related conditions. An algorithm developed to predict the effect of missense changes on protein structure and function (PolyPhen-2) suggests that this variant is likely to be tolerated. In summary, the available evidence is currently insufficient to determine the role of this variant in disease. Therefore, it has been classified as a Variant of Uncertain Significance.

NM_001001563.5(TIMM50):c.968A>G (p.Gln323Arg)

Gene: TIMM50 (translocase of inner mitochondrial membrane 50; plus strand). Cytogenetic location: 19q13.2.
Variant type: single nucleotide variant.
Coding change: c.968A>G on transcript NM_001001563.5 (MANE Select); coding-DNA position 968, A replaced by G.
Protein change: p.Gln323Arg; replaces glutamine 323 with arginine.
Molecular consequence: missense variant.
Genome position (GRCh38, 1-based): chr19:39,489,726, A>G. VCF-style: chr19-39489726-A-G. GRCh37 (hg19) VCF-style: chr19-39980366-A-G.
Other names: c.629A>G, p.Gln210Arg (NM_001329559.2); short protein forms Q210R, Q323R.
Identifiers: ClinVar variation 3640058 (VCV003640058.2).